The following is an entry in ClinVar:

ClinVar aggregate classification (germline): Uncertain significance (1 of 4 stars; one submission).

Submission:

Labcorp Genetics (formerly Invitae), Labcorp
Classification: Uncertain significance. Last evaluated: 2023-02-10. Review status: criteria provided, single submitter. Criteria: Invitae Variant Classification Sherloc (09022015). Collection method: clinical testing. Allele origin: germline.
Comment: This sequence change replaces glutamine, which is neutral and polar, with leucine, which is neutral and non-polar, at codon 165 of the DHODH protein (p.Gln165Leu). This variant is not present in population databases (gnomAD no frequency). This variant has not been reported in the literature in individuals affected with DHODH-related conditions. Algorithms developed to predict the effect of missense changes on protein structure and function (SIFT, PolyPhen-2, Align-GVGD) all suggest that this variant is likely to be tolerated. In summary, the available evidence is currently insufficient to determine the role of this variant in disease. Therefore, it has been classified as a Variant of Uncertain Significance.

NM_001361.5(DHODH):c.494A>T (p.Gln165Leu)

Gene: DHODH (dihydroorotate dehydrogenase (quinone); plus strand). Cytogenetic location: 16q22.2.
Variant type: single nucleotide variant.
Coding change: c.494A>T on transcript NM_001361.5 (MANE Select); coding-DNA position 494, A replaced by T.
Protein change: p.Gln165Leu; replaces glutamine 165 with leucine.
Molecular consequence: missense variant.
Genome position (GRCh38, 1-based): chr16:72,017,083, A>T. VCF-style: chr16-72017083-A-T. GRCh37 (hg19) VCF-style: chr16-72050982-A-T.
Other names: short protein forms Q165L.
Identifiers: ClinVar variation 2792143 (VCV002792143.1), dbSNP rs2506973148, ClinGen allele CA396681649.
Genomic context (GRCh38, chr16:72,017,083, plus strand): 5'-GGTATGGATTTAACAGTCACGGGCTTTCAGTGGTGGAACACAGGTTACGGGCCAGACAGC[A>T]GAAGCAGGCCAAGCTCACAGAAGGTAAAGTGGGGTTGTGTCAGTGGGCCTTTCTTATTTA-3'
Protein context (NP_001352.2, residues 155-175): VVEHRLRARQ[Gln165Leu]KQAKLTEDGL